The following is an entry in ClinVar:

NM_001365999.1(SZT2):c.9727G>A (p.Gly3243Arg)

Genes: SZT2 (SZT2 subunit of KICSTOR complex; plus strand), SZT2-AS1 (SZT2 antisense RNA 1; minus strand). Cytogenetic location: 1p34.2.
Variant type: single nucleotide variant.
Coding change: c.9727G>A on transcript NM_001365999.1 (MANE Select); coding-DNA position 9727, G replaced by A.
Protein change: p.Gly3243Arg; replaces glycine 3243 with arginine.
Molecular consequence: missense variant. On other transcripts: non-coding transcript variant (1).
Genome position (GRCh38, 1-based): chr1:43,448,242, G>A. VCF-style: chr1-43448242-G-A. GRCh37 (hg19) VCF-style: chr1-43913913-G-A.
Other names: c.9556G>A, p.Gly3186Arg (NM_015284.4); short protein forms G3243R, G3186R.
Identifiers: ClinVar variation 936999 (VCV000936999.10), dbSNP rs770750697, ClinGen allele CA810998.

ClinVar aggregate classification (germline): Uncertain significance. Review status: criteria provided, multiple submitters, no conflicts (2 of 4 stars). 3 submissions from 3 submitters: Uncertain significance (3). Last evaluated 2023-04-11.

Conditions:
Developmental and epileptic encephalopathy, 18 (DEE18). Also called: Early infantile epileptic encephalopathy 18. Identifiers: Orphanet 369894, MedGen C3809624, MONDO:0014201, OMIM 615476.
Inborn genetic diseases. Identifiers: MedGen C0950123, MeSH D030342.

Allele frequency attached by ClinVar (database versions not stated): gnomAD exomes below 0.00001 and 0.00001; gnomAD 0.00001 and 0.00002; ExAC 0.00002; TOPMed 0.00005.
gnomAD v4.1: 8 of 1,592,540 alleles (0.0005%); highest among the groups gnomAD compares: Admixed American, 0.0053%; no homozygotes.

Submissions (3):

Genome-Nilou Lab
Classification: Uncertain significance for Developmental and epileptic encephalopathy, 18. Last evaluated: 2023-04-11. Review status: criteria provided, single submitter. Criteria: ACMG Guidelines, 2015. Collection method: clinical testing. Allele origin: germline. Affected: no.

Ambry Genetics
Classification: Uncertain significance for Inborn genetic diseases. Last evaluated: 2022-10-17. Review status: criteria provided, single submitter. Criteria: Ambry Variant Classification Scheme 2023. Collection method: clinical testing. Allele origin: germline.

Labcorp Genetics (formerly Invitae), Labcorp
Classification: Uncertain significance. Last evaluated: 2022-07-19. Review status: criteria provided, single submitter. Criteria: Invitae Variant Classification Sherloc (09022015). Collection method: clinical testing. Allele origin: germline.
Comment: In summary, the available evidence is currently insufficient to determine the role of this variant in disease. Therefore, it has been classified as a Variant of Uncertain Significance. Algorithms developed to predict the effect of sequence changes on RNA splicing suggest that this variant may create or strengthen a splice site. Algorithms developed to predict the effect of missense changes on protein structure and function are either unavailable or do not agree on the potential impact of this missense change (SIFT: "Tolerated"; PolyPhen-2: "Possibly Damaging"; Align-GVGD: "Class C0"). ClinVar contains an entry for this variant (Variation ID: 936999). This variant has not been reported in the literature in individuals affected with SZT2-related conditions. The frequency data for this variant in the population databases is considered unreliable, as metrics indicate poor data quality at this position in the gnomAD database. This sequence change replaces glycine, which is neutral and non-polar, with arginine, which is basic and polar, at codon 3186 of the SZT2 protein (p.Gly3186Arg).